The following is an entry in ClinVar:

ClinVar aggregate classification (germline): Uncertain significance (1 of 4 stars; one submission).

Conditions:
SEMA3B-related disorder. Also called: SEMA3B-related condition.

Submission:

PreventionGenetics, part of Exact Sciences
Classification: Uncertain significance for SEMA3B-related condition. Last evaluated: 2026-02-24. Review status: criteria provided, single submitter. Criteria: ACMG Guidelines, 2015. Collection method: clinical testing. Allele origin: germline.
Comment: The SEMA3B c.886C>T variant is predicted to result in the amino acid substitution p.Pro296Ser. To our knowledge, this variant has not been reported in the literature or in a large population database (gnomAD), indicating this variant is rare. At this time, the clinical significance of this variant is uncertain due to the absence of conclusive functional and genetic evidence.

NM_001290060.2(SEMA3B):c.886C>T (p.Pro296Ser)

Gene: SEMA3B (semaphorin 3B; plus strand). Cytogenetic location: 3p21.31.
Variant type: single nucleotide variant.
Coding change: c.886C>T on transcript NM_001290060.2 (MANE Select); coding-DNA position 886, C replaced by T.
Protein change: p.Pro296Ser; replaces proline 296 with serine.
Molecular consequence: missense variant. On other transcripts: 5 prime UTR variant (2), non-coding transcript variant (1).
Genome position (GRCh38, 1-based): chr3:50,273,610, C>T. VCF-style: chr3-50273610-C-T. GRCh37 (hg19) VCF-style: chr3-50311041-C-T.
Other names: c.886C>T, p.Pro296Ser (NM_001005914.3, NM_001290061.1, NM_001435956.1 and 3 more transcripts); c.-141C>T (NM_001290062.2); c.-144C>T (NM_001290063.2); short protein forms P296S.
Identifiers: ClinVar variation 5000036 (VCV005000036.1).